The following is an entry in ClinVar:

NM_001077350.3(NPRL3):c.767+1G>T

Genes: HBA-LCR (alpha-globin locus control region; plus strand), NPRL3 (NPR3 like, GATOR1 complex subunit; minus strand). Cytogenetic location: 16p13.3.
Variant type: single nucleotide variant.
Coding change: c.767+1G>T on transcript NM_001077350.3 (MANE Select); the canonical splice donor site of the intron after coding-DNA position 767, G replaced by T.
Molecular consequence: splice donor variant.
Genome position (GRCh38, 1-based): chr16:100,371, C>A on the plus strand (G>T on the coding strand, the complement: NPRL3 is on the minus strand). VCF-style: chr16-100371-C-A. GRCh37 (hg19) VCF-style: chr16-150369-C-A.
Other names: c.533+1G>T (NM_001243247.2); c.692+1G>T (NM_001243248.2, NM_001243249.2); c.230+1G>T (NM_001039476.3).
Identifiers: ClinVar variation 580189 (VCV000580189.8), dbSNP rs1567134495, ClinGen allele CA393990605.
Genomic context (GRCh38, chr16:100,371, plus strand): 5'-CAGGCAGAAGCTAAAGGGAAGGGCCCTGGCAGGGAGTGAGCACGTGGGGCTGGGCACTTA[C>A]CGGATGGCTTTCAGGCTCCGTTCGATGGCCTCTGGGGGGATCAGACTGGAGGCCGCATAG-3'

ClinVar aggregate classification (germline): Pathogenic. Review status: criteria provided, single submitter (1 of 4 stars). 2 submissions from 2 submitters: Pathogenic (1). 1 of the submissions does not count toward it. Last evaluated 2025-02-24.

Conditions:
Seizure. Also called: Seizures. Identifiers: MedGen C0036572, HP:0001250.
Epilepsy, familial focal, with variable foci 3 (FFEVF3). Identifiers: MedGen C4310708, MONDO:0014925, OMIM 617118.

Submissions (2):

Labcorp Genetics (formerly Invitae), Labcorp
Classification: Pathogenic for Epilepsy, familial focal, with variable foci 3. Last evaluated: 2025-02-24. Review status: criteria provided, single submitter. Criteria: Invitae Variant Classification Sherloc (09022015). Collection method: clinical testing. Allele origin: germline.
Comment: This sequence change affects a donor splice site in intron 8 of the NPRL3 gene. It is expected to disrupt RNA splicing. Variants that disrupt the donor or acceptor splice site typically lead to a loss of protein function (PMID: 16199547), and loss-of-function variants in NPRL3 are known to be pathogenic (PMID: 26285051, 26505888). This variant is not present in population databases (gnomAD no frequency). Disruption of this splice site has been observed in individual(s) with clinical features of NPRL3-related conditions (PMID: 31440721; internal data). In at least one individual the variant was observed to be de novo. ClinVar contains an entry for this variant (Variation ID: 580189). Algorithms developed to predict the effect of sequence changes on RNA splicing suggest that this variant may disrupt the consensus splice site. For these reasons, this variant has been classified as Pathogenic.

Diagnostic Laboratory, Strasbourg University Hospital
Classification: Likely pathogenic for Seizure. Review status: no assertion criteria provided. Collection method: clinical testing. Allele origin: paternal. Affected: yes. Observed: 1 heterozygote. Not counted in ClinVar's aggregate classification.

Literature cited by the submitters: PubMed 16199547 (cited by Labcorp Genetics (formerly Invitae), Labcorp); PubMed 26285051 (cited by Labcorp Genetics (formerly Invitae), Labcorp); PubMed 26505888 (cited by Labcorp Genetics (formerly Invitae), Labcorp); PubMed 31440721 (cited by Labcorp Genetics (formerly Invitae), Labcorp).